The following is an entry in ClinVar:

ClinVar aggregate classification (germline): Uncertain significance (1 of 4 stars; one submission).

Conditions:
Nemaline myopathy 2 (NEM2). Also called: Nemaline myopathy 2, autosomal recessive. Identifiers: MedGen C1850569, MONDO:0009725, OMIM 256030.

Submission:

Labcorp Genetics (formerly Invitae), Labcorp
Classification: Uncertain significance for Nemaline myopathy 2. Last evaluated: 2022-09-03. Review status: criteria provided, single submitter. Criteria: Invitae Variant Classification Sherloc (09022015). Collection method: clinical testing. Allele origin: germline.
Comment: This sequence change replaces lysine, which is basic and polar, with alanine, which is neutral and non-polar, at codon 7521 of the NEB protein (p.Lys7521Ala). This variant is present in population databases (no rsID available, gnomAD 0.1%). This variant has not been reported in the literature in individuals affected with NEB-related conditions. Experimental studies and prediction algorithms are not available or were not evaluated, and the functional significance of this variant is currently unknown. In summary, the available evidence is currently insufficient to determine the role of this variant in disease. Therefore, it has been classified as a Variant of Uncertain Significance.

NM_001164508.2(NEB):c.22456_22457delinsGC (p.Lys7486Ala)

Genes: NEB (nebulin; minus strand), RIF1 (replication timing regulatory factor 1; plus strand). Cytogenetic location: 2q23.3.
Variant type: Indel.
Coding change: c.22456_22457delinsGC on transcript NM_001164508.2 (MANE Select); coding-DNA positions 22456 to 22457, AA replaced by GC.
Protein change: p.Lys7486Ala; replaces lysine 7486 with alanine.
Molecular consequence: missense variant.
Genome position (GRCh38, 1-based): chr2:151,524,333-151,524,334, TT replaced by GC on the plus strand (AA replaced by GC on the coding strand, the reverse complement: NEB is on the minus strand). VCF-style: chr2-151524333-TT-GC. GRCh37 (hg19) VCF-style: chr2-152380847-TT-GC.
Other names: c.22456_22457delinsGC, p.Lys7486Ala (NM_001164507.2); c.22561_22562delinsGC, p.Lys7521Ala (NM_001271208.2); c.17353_17354delinsGC, p.Lys5785Ala (NM_004543.5); short protein forms K7486A, K5785A, K7521A.
Identifiers: ClinVar variation 2164372 (VCV002164372.1), dbSNP rs2552107916, ClinGen allele CA2580063941.